The following is an entry in ClinVar:

ClinVar aggregate classification (germline): Uncertain significance (1 of 4 stars; one submission).

Conditions:
Cardiovascular phenotype. Identifiers: MedGen CN230736.

Submission:

Ambry Genetics
Classification: Uncertain significance for Cardiovascular phenotype. Last evaluated: 2022-08-29. Review status: criteria provided, single submitter. Criteria: Ambry Variant Classification Scheme 2023. Collection method: clinical testing. Allele origin: germline.
Comment: The p.L1392F variant (also known as c.4176A>C), located in coding exon 34 of the ANK2 gene, results from an A to C substitution at nucleotide position 4176. The leucine at codon 1392 is replaced by phenylalanine, an amino acid with highly similar properties. This amino acid position is conserved. In addition, the in silico prediction for this alteration is inconclusive. Since supporting evidence is limited at this time, the clinical significance of this alteration remains unclear.

NM_001148.6(ANK2):c.4176A>C (p.Leu1392Phe)

Gene: ANK2 (ankyrin 2; plus strand). Cytogenetic location: 4q26.
Variant type: single nucleotide variant.
Coding change: c.4176A>C on transcript NM_001148.6 (MANE Select); coding-DNA position 4176, A replaced by C.
Protein change: p.Leu1392Phe; replaces leucine 1392 with phenylalanine.
Molecular consequence: missense variant.
Genome position (GRCh38, 1-based): chr4:113,343,070, A>C. VCF-style: chr4-113343070-A-C. GRCh37 (hg19) VCF-style: chr4-114264226-A-C.
Other names: c.3990A>C, p.Leu1330Phe (NM_001386146.1, NM_001354249.2, NM_001354266.2 and 6 more transcripts); c.4149A>C, p.Leu1383Phe (NM_001127493.3); c.4188A>C, p.Leu1396Phe (NM_001354225.2); c.4077A>C, p.Leu1359Phe (NM_001354228.2, NM_001354258.2); c.4155A>C, p.Leu1385Phe (NM_001354230.2); c.4218A>C, p.Leu1406Phe (NM_001354231.2, NM_001354242.2); c.4212A>C, p.Leu1404Phe (NM_001354232.2); c.4173A>C, p.Leu1391Phe (NM_001354235.2, NM_001354246.2, NM_001354265.2); and 31 more; short protein forms L1231F, L1305F, L1317F, L1330F, L1347F, L1358F, L1370F, L1375F.
Identifiers: ClinVar variation 1738449 (VCV001738449.2), dbSNP rs2504028069, ClinGen allele CA357911116.